The following is an entry in ClinVar:

NM_000038.6(APC):c.730-3C>T

Gene: APC (APC regulator of Wnt signaling pathway; plus strand). Cytogenetic location: 5q22.2.
Variant type: single nucleotide variant.
Coding change: c.730-3C>T on transcript NM_000038.6 (MANE Select); 3 bases into the intron before coding-DNA position 730, C replaced by T.
Molecular consequence: intron variant.
Genome position (GRCh38, 1-based): chr5:112,801,276, C>T. VCF-style: chr5-112801276-C-T. GRCh37 (hg19) VCF-style: chr5-112136973-C-T.
Other names: c.730-3C>T (NM_001354895.2, NM_001127510.3, NM_001354896.2 and 1 more transcripts); c.760-3C>T (NM_001354897.2, NM_001354902.2); c.676-3C>T (NM_001127511.3); c.655-3C>T (NM_001354898.2, NM_001354904.2); c.-306-3C>T (NM_001354906.2); c.646-3C>T (NM_001354899.2); c.553-3C>T (NM_001354900.2, NM_001354901.2, NM_001354905.2).
Identifiers: ClinVar variation 186663 (VCV000186663.25), dbSNP rs786203125, ClinGen allele CA013579.

ClinVar aggregate classification (germline): Conflicting classifications of pathogenicity. Review status: criteria provided, conflicting classifications (1 of 4 stars). 7 submissions from 7 submitters: Uncertain significance (4); Benign (1); Likely benign (1). 1 of the submissions does not count toward it. Last evaluated 2026-01-15.

Conditions:
Familial adenomatous polyposis 1 (FAP1). Also called: FAMILIAL ADENOMATOUS POLYPOSIS 1, ATTENUATED; POLYPOSIS, ADENOMATOUS INTESTINAL. Identifiers: MedGen C2713442, MONDO:0021056, OMIM 175100. Disease mechanism: loss of function.
Hereditary cancer-predisposing syndrome. Also called: Neoplastic Syndromes, Hereditary; Tumor predisposition; Hereditary Cancer Syndrome; Hereditary neoplastic syndrome. Identifiers: Orphanet 140162, MedGen C0027672, MeSH D009386, MONDO:0015356.

Allele frequency attached by ClinVar (database versions not stated): gnomAD exomes below 0.00001.
gnomAD v4.1: 1 of 1,611,654 alleles (0.000062%); highest among the groups gnomAD compares: Non-Finnish European, 0.000085%; no homozygotes.

Submissions (7):

Labcorp Genetics (formerly Invitae), Labcorp
Classification: Likely benign for Familial adenomatous polyposis 1. Last evaluated: 2026-01-15. Review status: criteria provided, single submitter. Criteria: Invitae Variant Classification Sherloc (09022015). Collection method: clinical testing. Allele origin: germline.

Color Diagnostics, LLC DBA Color Health
Classification: Uncertain significance for Hereditary cancer-predisposing syndrome. Last evaluated: 2025-06-12. Review status: criteria provided, single submitter. Criteria: ACMG Guidelines, 2015. Collection method: clinical testing. Allele origin: germline.
Comment: This variant causes a C to T nucleotide substitution at the -3 position of intron 7 of the APC gene. Splice site prediction tools are inconclusive regarding the impact of this variant on RNA splicing. This variant has not been reported in individuals affected with APC-related disorders in the literature. This variant has not been identified in the general population by the Genome Aggregation Database (gnomAD). The available evidence is insufficient to determine the role of this variant in disease conclusively. Therefore, this variant is classified as a Variant of Uncertain Significance.

Myriad Genetics, Inc.
Classification: Uncertain significance for Familial adenomatous polyposis 1. Last evaluated: 2023-02-16. Review status: criteria provided, single submitter. Criteria: Myriad Autosomal Dominant, Autosomal Recessive and X-Linked Classification Criteria (2023). Collection method: clinical testing. Allele origin: unknown.
Comment: This variant is classified as a variant of uncertain significance as there is insufficient evidence to determine its impact on protein function and/or cancer risk.

Ambry Genetics
Classification: Benign for Hereditary cancer-predisposing syndrome. Last evaluated: 2020-07-16. Review status: criteria provided, single submitter. Criteria: Ambry Variant Classification Scheme 2023. Collection method: clinical testing. Allele origin: germline.

Women's Health and Genetics/Laboratory Corporation of America, LabCorp
Classification: Uncertain significance. Last evaluated: 2017-02-03. Review status: criteria provided, single submitter. Criteria: LabCorp Variant Classification Summary - May 2015. Collection method: clinical testing. Allele origin: germline.
Comment: Variant summary: The APC c.730-3C>T variant involves the alteration of a conserved intronic nucleotide. MutationTaster predicts a damaging outcome for this variant. 5/5 splice prediction tools suggest some alteration to normal splicing. ESEfinder also predicts alteration of binding for ESE site(s). Another nucleotide change at the same position, c.730-3C>G, is reported to cause complete loss of exon 7 by in vitro RT-PCR assay (UMD and PMID: 24599579). Therefore this variant is also inferred to cause aberrant splicing but this has yet to be confirmed by functional studies. This variant is absent in 116740 control chromosomes from ExAC. Multiple clinical diagnostic laboratories/reputable databases have classified this variant as uncertain significance. The variant of interest has not, to our knowledge, been reported in affected individuals via publications, however has been reported at least to two individuals by clinical labs in ClinVar without details about clinical diagnosis, cosegregation or co-occurrence. Based on the current available information, though the variant appears to have a possible clinical significance there is no strong supportive evidence. Therefore, this variant is classified as a variant of uncertain significance (VUS), until additional information becomes available.

GeneDx
Classification: Uncertain significance. Last evaluated: 2016-08-01. Review status: criteria provided, single submitter. Criteria: GeneDx Variant Classification (06012015). Collection method: clinical testing. Allele origin: germline. Affected: yes.
Comment: This variant is denoted APC c.730-3C>T or IVS7-3C>T and consists of a C>T nucleotide substitution at the -3 position of intron 7 of the APC gene. Multiple in silico models predict this variant to weaken the nearby natural acceptor site, and to possibly cause abnormal gene splicing. However, in the absence of RNA or functional studies, the actual effect of this variant is unknown. This variant has not, to our knowledge, been published in the literature as pathogenic or benign. APC c.730-3C>T was not observed in approximately 6,500 individuals of European and African American ancestry in the NHLBI Exome Sequencing Project, suggesting it is not a common benign variant in these populations. The cytosine (C) nucleotide that is altered is conserved through mammals. Based on currently available information, it is unclear whether APC c.730-3C>T is pathogenic or benign. We consider it to be a variant of uncertain significance.

Counsyl
Classification: Uncertain significance for Familial adenomatous polyposis 1. Last evaluated: 2016-07-28. Review status: no assertion criteria provided. Collection method: clinical testing. Allele origin: unknown. Not counted in ClinVar's aggregate classification.

Literature cited by the submitters: PubMed 24599579 (cited by Ambry Genetics).